The following is an entry in ClinVar:

NM_198578.4(LRRK2):c.862T>G (p.Leu288Val)

Gene: LRRK2 (leucine rich repeat kinase 2; plus strand). Cytogenetic location: 12q12.
Variant type: single nucleotide variant.
Coding change: c.862T>G on transcript NM_198578.4 (MANE Select); coding-DNA position 862, T replaced by G.
Protein change: p.Leu288Val; replaces leucine 288 with valine.
Molecular consequence: missense variant.
Genome position (GRCh38, 1-based): chr12:40,249,849, T>G. VCF-style: chr12-40249849-T-G. GRCh37 (hg19) VCF-style: chr12-40643651-T-G.
Other names: short protein forms L288V.
Identifiers: ClinVar variation 1764107 (VCV001764107.6), dbSNP rs1309697861, ClinGen allele CA384406849.
Genomic context (GRCh38, chr12:40,249,849, plus strand): 5'-GGATGAGAATTCAGCTAATGTTTCACTTAACTTTTAGGTAATTTTTTCAATATCCTGGTA[T>G]TAAACGAAGTCCATGAGTTTGTGGTGAAAGCTGTGCAGCAGTACCCAGAGAATGCAGCAT-3'
Protein context (NP_940980.4, residues 278-298): TLGNFFNILV[Leu288Val]NEVHEFVVKA

ClinVar aggregate classification (germline): Uncertain significance. Review status: criteria provided, multiple submitters, no conflicts (2 of 4 stars). 2 submissions from 2 submitters: Uncertain significance (2). Last evaluated 2023-09-30.

Conditions:
Autosomal dominant Parkinson disease 8. Also called: Parkinson disease 8, susceptibility to; LRRK2-Related Parkinson Disease; Parkinson disease 8. Identifiers: Orphanet 411602, MedGen C1846862, MONDO:0011764, OMIM 607060.
Inborn genetic diseases. Identifiers: MedGen C0950123, MeSH D030342.

Allele frequency attached by ClinVar (database versions not stated): gnomAD 0.00001; TOPMed 0.00001.
gnomAD v4.1: 1 of 1,613,782 alleles (0.000062%); highest among the groups gnomAD compares: Non-Finnish European, 0.000085%; no homozygotes.

Submissions (2):

Labcorp Genetics (formerly Invitae), Labcorp
Classification: Uncertain significance for Autosomal dominant Parkinson disease 8. Last evaluated: 2023-09-30. Review status: criteria provided, single submitter. Criteria: Invitae Variant Classification Sherloc (09022015). Collection method: clinical testing. Allele origin: germline.
Comment: This sequence change replaces leucine, which is neutral and non-polar, with valine, which is neutral and non-polar, at codon 288 of the LRRK2 protein (p.Leu288Val). This variant is not present in population databases (gnomAD no frequency). This variant has not been reported in the literature in individuals affected with LRRK2-related conditions. ClinVar contains an entry for this variant (Variation ID: 1764107). Advanced modeling of protein sequence and biophysical properties (such as structural, functional, and spatial information, amino acid conservation, physicochemical variation, residue mobility, and thermodynamic stability) has been performed at Invitae for this missense variant, however the output from this modeling did not meet the statistical confidence thresholds required to predict the impact of this variant on LRRK2 protein function. In summary, the available evidence is currently insufficient to determine the role of this variant in disease. Therefore, it has been classified as a Variant of Uncertain Significance.

Ambry Genetics
Classification: Uncertain significance for Inborn genetic diseases. Last evaluated: 2022-05-03. Review status: criteria provided, single submitter. Criteria: Ambry Variant Classification Scheme 2023. Collection method: clinical testing. Allele origin: germline.
Comment: The p.L288V variant (also known as c.862T>G), located in coding exon 8 of the LRRK2 gene, results from a T to G substitution at nucleotide position 862. The leucine at codon 288 is replaced by valine, an amino acid with highly similar properties. This amino acid position is conserved. In addition, this alteration is predicted to be tolerated by in silico analysis. Since supporting evidence is limited at this time, the clinical significance of this alteration remains unclear.